The following is an entry in ClinVar:

ClinVar aggregate classification (germline): Uncertain significance (1 of 4 stars; one submission).

Conditions:
Nephronophthisis. Also called: Juvenile Nephronophthisis. Identifiers: Orphanet 655, MedGen C0687120, MONDO:0019005, HP:0000090.

Allele frequency attached by ClinVar (database versions not stated): gnomAD 0.00001; gnomAD exomes below 0.00001; TOPMed 0.00001.
gnomAD v4.1: 5 of 1,608,914 alleles (0.00031%); highest among the groups gnomAD compares: African/African-American, 0.0067%; no homozygotes.

Submission:

Labcorp Genetics (formerly Invitae), Labcorp
Classification: Uncertain significance for Nephronophthisis. Last evaluated: 2022-02-09. Review status: criteria provided, single submitter. Criteria: Invitae Variant Classification Sherloc (09022015). Collection method: clinical testing. Allele origin: germline.
Comment: This sequence change replaces aspartic acid, which is acidic and polar, with histidine, which is basic and polar, at codon 452 of the NPHP1 protein (p.Asp452His). This variant is present in population databases (no rsID available, gnomAD 0.007%). This variant has not been reported in the literature in individuals affected with NPHP1-related conditions. ClinVar contains an entry for this variant (Variation ID: 968486). Algorithms developed to predict the effect of missense changes on protein structure and function are either unavailable or do not agree on the potential impact of this missense change (SIFT: "Tolerated"; PolyPhen-2: "Probably Damaging"; Align-GVGD: "Class C0"). In summary, the available evidence is currently insufficient to determine the role of this variant in disease. Therefore, it has been classified as a Variant of Uncertain Significance.

NM_001128178.3(NPHP1):c.1186G>C (p.Asp396His)

Gene: NPHP1 (nephrocystin 1; minus strand). Cytogenetic location: 2q13.
Variant type: single nucleotide variant.
Coding change: c.1186G>C on transcript NM_001128178.3 (MANE Select); coding-DNA position 1186, G replaced by C.
Protein change: p.Asp396His; replaces aspartic acid 396 with histidine.
Molecular consequence: missense variant.
Genome position (GRCh38, 1-based): chr2:110,147,999, C>G on the plus strand (G>C on the coding strand, the complement: NPHP1 is on the minus strand). VCF-style: chr2-110147999-C-G. GRCh37 (hg19) VCF-style: chr2-110905576-C-G.
Other names: c.1354G>C, p.Asp452His (NM_000272.5); c.997G>C, p.Asp333His (NM_001128179.3); c.1183G>C, p.Asp395His (NM_001374256.1); c.1186G>C, p.Asp396His (NM_001374257.1); c.1351G>C, p.Asp451His (NM_207181.4); short protein forms D333H, D395H, D396H, D451H, D452H.
Identifiers: ClinVar variation 968486 (VCV000968486.7), dbSNP rs1285357819, ClinGen allele CA348087967.